The following is an entry in ClinVar:

NM_020821.3(VPS13C):c.10164A>G (p.Arg3388=)

Gene: VPS13C (vacuolar protein sorting 13 homolog C; minus strand). Cytogenetic location: 15q22.2.
Variant type: single nucleotide variant.
Coding change: c.10164A>G on transcript NM_020821.3 (MANE Select); coding-DNA position 10164, A replaced by G.
Protein change: p.Arg3388=; no amino-acid change (arginine 3388 retained).
Molecular consequence: synonymous variant.
Genome position (GRCh38, 1-based): chr15:61,877,033, T>C on the plus strand (A>G on the coding strand, the complement: VPS13C is on the minus strand). VCF-style: chr15-61877033-T-C. GRCh37 (hg19) VCF-style: chr15-62169232-T-C.
Other names: p.Arg3388=; c.10164A>G, p.Arg3388= (NM_001018088.3); c.10035A>G, p.Arg3345= (NM_017684.5, NM_018080.4).
Identifiers: ClinVar variation 789076 (VCV000789076.42), dbSNP rs149307561, ClinGen allele CA7594404.

ClinVar aggregate classification (germline): Benign/Likely benign. Review status: criteria provided, multiple submitters, no conflicts (2 of 4 stars). 6 submissions from 6 submitters: Benign (3); Likely benign (2). 1 of the submissions does not count toward it. Last evaluated 2026-09-01.

Conditions:
VPS13C-related disorder. Also called: VPS13C-related condition.

Allele frequency attached by ClinVar (database versions not stated): ESP Exome Variant Server 0.00169; TOPMed 0.00190; gnomAD 0.00200 and 0.00206; 1000 Genomes Project 0.00240; 1000 Genomes Project 30x 0.00265.
gnomAD v4.1: 4,639 of 1,608,700 alleles (0.29%); highest among the groups gnomAD compares: Non-Finnish European, 0.35%; 12 homozygotes.

Submissions (6):

CeGaT Center for Human Genetics Tuebingen
Classification: Likely benign. Last evaluated: 2026-09-01. Review status: criteria provided, single submitter. Criteria: CeGaT Center For Human Genetics Tuebingen Variant Classification Criteria Version 2. Collection method: clinical testing. Allele origin: germline. Affected: yes. Observed: 17 variant alleles.
Comment: VPS13C: BP4, BP7

Labcorp Genetics (formerly Invitae), Labcorp
Classification: Benign. Last evaluated: 2026-01-15. Review status: criteria provided, single submitter. Criteria: Invitae Variant Classification Sherloc (09022015). Collection method: clinical testing. Allele origin: germline.

Blueprint Genetics
Classification: Likely benign. Last evaluated: 2024-11-23. Review status: criteria provided, single submitter. Criteria: ACMG Guidelines, 2015. Collection method: clinical testing. Allele origin: germline.

Mayo Clinic Laboratories, Mayo Clinic
Classification: Benign. Last evaluated: 2024-09-11. Review status: criteria provided, single submitter. Criteria: ACMG Guidelines, 2015. Collection method: clinical testing. Allele origin: germline. Observed: 3 variant alleles.
Comment: BS1, BS2

Breakthrough Genomics
Classification: Benign. Review status: criteria provided, single submitter. Criteria: ACMG Guidelines, 2015. Collection method: not provided. Allele origin: germline. Inheritance: Autosomal recessive inheritance. Affected: yes.

PreventionGenetics, part of Exact Sciences
Classification: Likely benign for VPS13C-related condition. Last evaluated: 2019-06-21. Review status: no assertion criteria provided. Collection method: clinical testing. Allele origin: germline. Not counted in ClinVar's aggregate classification.
Comment: This variant is classified as likely benign based on ACMG/AMP sequence variant interpretation guidelines (Richards et al. 2015 PMID: 25741868, with internal and published modifications).